The following is an entry in ClinVar:

NM_032578.4(MYPN):c.3122T>A (p.Ile1041Asn)

Gene: MYPN (myopalladin; plus strand). Cytogenetic location: 10q21.3.
Variant type: single nucleotide variant.
Coding change: c.3122T>A on transcript NM_032578.4 (MANE Select); coding-DNA position 3122, T replaced by A.
Protein change: p.Ile1041Asn; replaces isoleucine 1041 with asparagine.
Molecular consequence: missense variant. On other transcripts: non-coding transcript variant (2).
Genome position (GRCh38, 1-based): chr10:68,195,496, T>A. VCF-style: chr10-68195496-T-A. GRCh37 (hg19) VCF-style: chr10-69955253-T-A.
Other names: p.I1041N:ATT>AAT; c.3122T>A, p.Ile1041Asn (NM_001256267.2); c.2240T>A, p.Ile747Asn (NM_001256268.2); c.3122T>A (NM_032578.2); short protein forms I1041N, I747N.
Identifiers: ClinVar variation 201871 (VCV000201871.41), dbSNP rs754227127, ClinGen allele CA335273.

ClinVar aggregate classification (germline): Conflicting classifications of pathogenicity. Review status: criteria provided, conflicting classifications (1 of 4 stars). 7 submissions from 7 submitters: Uncertain significance (3); Likely benign (4). Last evaluated 2026-08-17.

Conditions:
MYPN-related disorder. Also called: MYPN-related condition.
Cardiovascular phenotype. Identifiers: MedGen CN230736.
Dilated cardiomyopathy 1KK (CMD1KK). Identifiers: Orphanet 154, Orphanet 75249, MedGen C3714995, MONDO:0014100, OMIM 615248.

Allele frequency attached by ClinVar (database versions not stated): TOPMed 0.00008.
gnomAD v4.1: 164 of 1,613,954 alleles (0.01%); highest among the groups gnomAD compares: South Asian, 0.041%; 1 homozygote.

Submissions (7):

PreventionGenetics, part of Exact Sciences
Classification: Uncertain significance for MYPN-related condition. Last evaluated: 2026-08-17. Review status: criteria provided, single submitter. Criteria: ACMG Guidelines, 2015. Collection method: clinical testing. Allele origin: germline.
Comment: The MYPN c.3122T>A variant is predicted to result in the amino acid substitution p.Ile1041Asn. To our knowledge, this variant has not been reported in the literature. This variant is reported in 0.052% of alleles in individuals of South Asian descent in gnomAD. Although we suspect that this variant may be benign, at this time, the clinical significance of this variant is uncertain due to the absence of conclusive functional and genetic evidence.

Ambry Genetics
Classification: Likely benign for Cardiovascular phenotype. Last evaluated: 2025-11-13. Review status: criteria provided, single submitter. Criteria: Ambry Variant Classification Scheme 2023. Collection method: clinical testing. Allele origin: germline.

Blueprint Genetics
Classification: Likely benign. Last evaluated: 2024-05-03. Review status: criteria provided, single submitter. Criteria: ACMG Guidelines, 2015. Collection method: clinical testing. Allele origin: germline.

Labcorp Genetics (formerly Invitae), Labcorp
Classification: Uncertain significance for Dilated cardiomyopathy 1KK. Last evaluated: 2022-10-20. Review status: criteria provided, single submitter. Criteria: Invitae Variant Classification Sherloc (09022015). Collection method: clinical testing. Allele origin: germline.
Comment: This sequence change replaces isoleucine, which is neutral and non-polar, with asparagine, which is neutral and polar, at codon 1041 of the MYPN protein (p.Ile1041Asn). This variant is present in population databases (rs754227127, gnomAD 0.06%), including at least one homozygous and/or hemizygous individual. This variant has not been reported in the literature in individuals affected with MYPN-related conditions. ClinVar contains an entry for this variant (Variation ID: 201871). Algorithms developed to predict the effect of missense changes on protein structure and function are either unavailable or do not agree on the potential impact of this missense change (SIFT: "Deleterious"; PolyPhen-2: "Benign"; Align-GVGD: "Class C0"). In summary, the available evidence is currently insufficient to determine the role of this variant in disease. Therefore, it has been classified as a Variant of Uncertain Significance.

CeGaT Center for Human Genetics Tuebingen
Classification: Likely benign. Last evaluated: 2022-10-01. Review status: criteria provided, single submitter. Criteria: CeGaT Center For Human Genetics Tuebingen Variant Classification Criteria Version 2. Collection method: clinical testing. Allele origin: germline. Affected: yes. Observed: 1 variant allele.
Comment: MYPN: BP4

GeneDx
Classification: Likely benign. Last evaluated: 2018-10-30. Review status: criteria provided, single submitter. Criteria: GeneDx Variant Classification Process June 2021. Collection method: clinical testing. Allele origin: germline. Affected: yes.
Comment: This variant is associated with the following publications: (PMID: 28492532)

Stanford Center for Inherited Cardiovascular Disease, Stanford University
Classification: Uncertain significance. Last evaluated: 2016-08-31. Review status: criteria provided, single submitter. Criteria: ACMG Guidelines, 2015. Collection method: provider interpretation. Allele origin: germline.